The following is an entry in ClinVar:

ClinVar aggregate classification (germline): Pathogenic/Likely pathogenic. Review status: criteria provided, multiple submitters, no conflicts (2 of 4 stars). 6 submissions from 6 submitters: Pathogenic (2); Likely pathogenic (2). 2 of the submissions do not count toward it. Last evaluated 2025-11-25.

Conditions:
ABCA4-related disorder. Also called: ABCA4-related condition; ABCA4-related disorders. Identifiers: MedGen CN239167.
Retinitis pigmentosa (RP). Identifiers: Orphanet 791, MedGen C0035334, MeSH D012174, MONDO:0019200, OMIM 268000. Inheritance: Autosomal dominant, autosomal recessive and X linked inheritance.
Severe early-childhood-onset retinal dystrophy (STGD1). Also called: MACULAR DYSTROPHY WITH FLECKS, TYPE 1; STGD; Stargardt disease 1; Stargardt macular dystrophy; Juvenile onset macular degeneration. Identifiers: Orphanet 364055, Orphanet 827, MedGen C1855465, MeSH D000080362, MONDO:0009549, OMIM 248200.

Allele frequency attached by ClinVar (database versions not stated): gnomAD exomes 0.00007 and 0.00003; gnomAD 0.00001; ExAC 0.00007; TOPMed 0.00002.
gnomAD v4.1: 21 of 1,613,986 alleles (0.0013%); highest among the groups gnomAD compares: Admixed American, 0.035%; no homozygotes.

Submissions (6):

PreventionGenetics, part of Exact Sciences
Classification: Likely pathogenic for ABCA4-related condition. Last evaluated: 2025-11-25. Review status: criteria provided, single submitter. Criteria: ACMG Guidelines, 2015. Collection method: clinical testing. Allele origin: germline.
Comment: The ABCA4 c.6686T>C variant is predicted to result in the amino acid substitution p.Leu2229Pro. This variant has been reported along with a second ABCA4 variant in individuals with ABCA4-related conditions (Stone et al. 2017. PubMed ID: 28559085; Lazow et al. 2011. PubMed ID: 22076985; Supplementary Table S2A, Cornelis et al. 2022. PubMed ID: 35120629; Internal Data, PreventionGenetics). This variant has also been reported in an individual with Stargardt disease (Webster et al. 2001. PubMed ID: 11328725); however, additional information was not provided. This variant is reported in 0.043% of alleles in individuals of Latino descent in gnomAD. This variant is interpreted as likely pathogenic.

Labcorp Genetics (formerly Invitae), Labcorp
Classification: Pathogenic. Last evaluated: 2025-06-22. Review status: criteria provided, single submitter. Criteria: Invitae Variant Classification Sherloc (09022015). Collection method: clinical testing. Allele origin: germline.
Comment: This sequence change replaces leucine, which is neutral and non-polar, with proline, which is neutral and non-polar, at codon 2229 of the ABCA4 protein (p.Leu2229Pro). This variant is present in population databases (rs61750659, gnomAD 0.04%). This missense change has been observed in individual(s) with ABCA4-related conditions (PMID: 28559085; internal data). In at least one individual the data is consistent with being in trans (on the opposite chromosome) from a pathogenic variant. ClinVar contains an entry for this variant (Variation ID: 99481). Invitae Evidence Modeling of protein sequence and biophysical properties (such as structural, functional, and spatial information, amino acid conservation, physicochemical variation, residue mobility, and thermodynamic stability) indicates that this missense variant is expected to disrupt ABCA4 protein function with a positive predictive value of 95%. For these reasons, this variant has been classified as Pathogenic.

Women's Health and Genetics/Laboratory Corporation of America, LabCorp
Classification: Likely pathogenic for Retinitis pigmentosa. Last evaluated: 2025-05-16. Review status: criteria provided, single submitter. Criteria: LabCorp Variant Classification Summary - May 2015. Collection method: clinical testing. Allele origin: germline.
Comment: Variant summary: ABCA4 c.6686T>C (p.Leu2229Pro) results in a non-conservative amino acid change in the encoded protein sequence. Algorithms developed to predict the effect of missense changes on protein structure and function are either unavailable or do not agree on the potential impact of this missense change. The variant allele was found at a frequency of 6.8e-05 in 251412 control chromosomes. This frequency is not significantly higher than estimated for a pathogenic variant in ABCA4 causing Retinitis Pigmentosa (6.8e-05 vs 0.0014), allowing no conclusion about variant significance. c.6686T>C has been observed in multiple presumed compound heterozygous or homozygous individual(s) affected with Stargardt disease or ABCA4-related retinal dystrophy (example, Chacon-Camacho_2024, Klufas_2018, Lazow_2011, Parker_2016, Stone_2017, Webster_2001, internal data). These data indicate that the variant is likely to be associated with disease. To our knowledge, no experimental evidence demonstrating an impact on protein function has been reported. The following publications have been ascertained in the context of this evaluation (PMID: 39162841, 28248825, 22076985, 27730010, 28559085, 11328725). ClinVar contains an entry for this variant (Variation ID: 99481). Based on the evidence outlined above, the variant was classified as likely pathogenic.

Blueprint Genetics
Classification: Pathogenic for ABCA4-related disorders. Last evaluated: 2021-11-29. Review status: criteria provided, single submitter. Criteria: ACMG Guidelines, 2015. Collection method: clinical testing. Allele origin: germline. Affected: yes. Observed: 5 variant alleles.

Ophthalmo-Genetics Lab, Instituto de Oftalmologia Conde de Valenciana
Classification: Likely pathogenic for Severe early-childhood-onset retinal dystrophy. Review status: no assertion criteria provided. Collection method: research. Allele origin: germline. Inheritance: Autosomal recessive inheritance. Affected: yes. Not counted in ClinVar's aggregate classification.

Retina International
No classification provided. Review status: no classification provided. Collection method: not provided. Allele origin: not provided. Not counted in ClinVar's aggregate classification.

Literature cited by the submitters: PubMed 28559085 (cited by 3 submitters); PubMed 11328725 (cited by Women's Health and Genetics/Laboratory Corporation of America, LabCorp); PubMed 28248825 (cited by Women's Health and Genetics/Laboratory Corporation of America, LabCorp); PubMed 27730010 (cited by Women's Health and Genetics/Laboratory Corporation of America, LabCorp); PubMed 39162841 (cited by Women's Health and Genetics/Laboratory Corporation of America, LabCorp); PubMed 22076985 (cited by Women's Health and Genetics/Laboratory Corporation of America, LabCorp).

NM_000350.3(ABCA4):c.6686T>C (p.Leu2229Pro)

Gene: ABCA4 (ATP binding cassette subfamily A member 4; minus strand). Cytogenetic location: 1p22.1.
Variant type: single nucleotide variant.
Coding change: c.6686T>C on transcript NM_000350.3 (MANE Select); coding-DNA position 6686, T replaced by C.
Protein change: p.Leu2229Pro; replaces leucine 2229 with proline.
Molecular consequence: missense variant.
Genome position (GRCh38, 1-based): chr1:93,997,904, A>G on the plus strand (T>C on the coding strand, the complement: ABCA4 is on the minus strand). VCF-style: chr1-93997904-A-G. GRCh37 (hg19) VCF-style: chr1-94463460-A-G.
Other names: c.6464T>C, p.Leu2155Pro (NM_001425324.1); short protein forms L2229P, L2155P.
Identifiers: ClinVar variation 99481 (VCV000099481.14), dbSNP rs61750659, ClinGen allele CA227432.